The following is an entry in ClinVar:

NM_000455.5(STK11):c.759C>G (p.Tyr253Ter)

Gene: STK11 (serine/threonine kinase 11; plus strand). Cytogenetic location: 19p13.3.
Variant type: single nucleotide variant.
Coding change: c.759C>G on transcript NM_000455.5 (MANE Select); coding-DNA position 759, C replaced by G.
Protein change: p.Tyr253Ter; replaces tyrosine 253 with a stop codon.
Molecular consequence: nonsense. On other transcripts: non-coding transcript variant (1).
Genome position (GRCh38, 1-based): chr19:1,221,237, C>G. VCF-style: chr19-1221237-C-G. GRCh37 (hg19) VCF-style: chr19-1221236-C-G.
Other names: c.759C>G, p.Tyr253Ter (NM_001407255.1); short protein forms Y253*.
Identifiers: ClinVar variation 2580411 (VCV002580411.1), dbSNP rs137853075, ClinGen allele CA402950392.

ClinVar aggregate classification (germline): Pathogenic (1 of 4 stars; one submission).

Submission:

GeneDx
Classification: Pathogenic. Last evaluated: 2023-07-05. Review status: criteria provided, single submitter. Criteria: GeneDx Variant Classification Process June 2021. Collection method: clinical testing. Allele origin: germline. Affected: yes.
Comment: Nonsense variant predicted to result in protein truncation or nonsense mediated decay in a gene for which loss of function is a known mechanism of disease; Not observed at significant frequency in large population cohorts (gnomAD); Has not been previously published as pathogenic or benign to our knowledge